The following is an entry in ClinVar:

NM_001286577.2(C2CD3):c.6535A>G (p.Thr2179Ala)

Gene: C2CD3 (C2 domain containing 3 centriole elongation regulator; minus strand). Cytogenetic location: 11q13.4.
Variant type: single nucleotide variant.
Coding change: c.6535A>G on transcript NM_001286577.2 (MANE Select); coding-DNA position 6535, A replaced by G.
Protein change: p.Thr2179Ala; replaces threonine 2179 with alanine.
Molecular consequence: missense variant.
Genome position (GRCh38, 1-based): chr11:74,033,625, T>C on the plus strand (A>G on the coding strand, the complement: C2CD3 is on the minus strand). VCF-style: chr11-74033625-T-C. GRCh37 (hg19) VCF-style: chr11-73744670-T-C.
Other names: short protein forms T2179A.
Identifiers: ClinVar variation 1943967 (VCV001943967.2), dbSNP rs762200604, ClinGen allele CA6181710.

ClinVar aggregate classification (germline): Uncertain significance (1 of 4 stars; one submission).

Allele frequency attached by ClinVar (database versions not stated): TOPMed 0.00002; gnomAD 0.00003; gnomAD exomes 0.00003.
gnomAD v4.1: 44 of 1,536,022 alleles (0.0029%); highest among the groups gnomAD compares: African/African-American, 0.0027%; no homozygotes.

Submission:

Labcorp Genetics (formerly Invitae), Labcorp
Classification: Uncertain significance. Last evaluated: 2022-08-04. Review status: criteria provided, single submitter. Criteria: Invitae Variant Classification Sherloc (09022015). Collection method: clinical testing. Allele origin: germline.
Comment: The C2CD3 gene has multiple clinically relevant transcripts. This variant occurs in alternate transcript NM_001286577.1, and corresponds to NM_015531.5:c.*973A>G in the primary transcript. This sequence change replaces threonine, which is neutral and polar, with alanine, which is neutral and non-polar, at codon 2179 of the C2CD3 protein (p.Thr2179Ala). This variant is present in population databases (rs762200604, gnomAD 0.02%). This variant has not been reported in the literature in individuals affected with C2CD3-related conditions. Experimental studies and prediction algorithms are not available or were not evaluated, and the functional significance of this variant is currently unknown. In summary, the available evidence is currently insufficient to determine the role of this variant in disease. Therefore, it has been classified as a Variant of Uncertain Significance.